The following is an entry in ClinVar:

ClinVar aggregate classification (germline): Conflicting classifications of pathogenicity. Review status: criteria provided, conflicting classifications (1 of 4 stars). 8 submissions from 8 submitters: Uncertain significance (1); Benign (1); Likely benign (6). Last evaluated 2026-09-01.

Conditions:
Cardiovascular phenotype. Identifiers: MedGen CN230736.
Charcot-Marie-Tooth disease type 2. Also called: Charcot-Marie-Tooth type 2. Identifiers: Orphanet 64746, MedGen C0270914, MONDO:0018993.
Cardiomyopathy (CMYO). Also called: Cardiomyopathies. Identifiers: Orphanet 167848, MedGen C0878544, MONDO:0004994, HP:0001638. Inheritance: Various modes of inheritance.
Primary dilated cardiomyopathy (DCM). Also called: Dilated Cardiomyopathy. Identifiers: Orphanet 217604, MedGen C0007193, MeSH D002311, MONDO:0005021, HP:0001644. Inheritance: Various modes of inheritance.

Allele frequency attached by ClinVar (database versions not stated): TOPMed 0.00003; gnomAD exomes 0.00006 and 0.00013; ExAC 0.00012.
gnomAD v4.1: 35 of 1,614,164 alleles (0.0022%); highest among the groups gnomAD compares: Admixed American, 0.058%; no homozygotes.

Submissions (8):

CeGaT Center for Human Genetics Tuebingen
Classification: Likely benign. Last evaluated: 2026-09-01. Review status: criteria provided, single submitter. Criteria: CeGaT Center For Human Genetics Tuebingen Variant Classification Criteria Version 2. Collection method: clinical testing. Allele origin: germline. Affected: yes. Observed: 1 variant allele.
Comment: LMNA: BP4, BP7

Labcorp Genetics (formerly Invitae), Labcorp
Classification: Likely benign for Charcot-Marie-Tooth disease type 2. Last evaluated: 2025-11-25. Review status: criteria provided, single submitter. Criteria: Invitae Variant Classification Sherloc (09022015). Collection method: clinical testing. Allele origin: germline.

All of Us Research Program, National Institutes of Health
Classification: Likely benign for Primary dilated cardiomyopathy. Last evaluated: 2023-12-18. Review status: criteria provided, single submitter. Criteria: ACMG Guidelines, 2015. Collection method: clinical testing. Allele origin: germline. Inheritance: Autosomal dominant inheritance. Observed: 12 variant alleles, 12 heterozygotes.
Comment: This study involves interpretation of variants in research participants for the purpose of population health screening. Participant phenotype was not available at the time of variant classification. Additional details can be found in publication PMID: 35346344, PMCID: PMC8962531

GeneDx
Classification: Likely benign. Last evaluated: 2019-10-24. Review status: criteria provided, single submitter. Criteria: GeneDx Variant Classification Process June 2021. Collection method: clinical testing. Allele origin: germline. Affected: yes.

Ambry Genetics
Classification: Likely benign for Cardiovascular phenotype. Last evaluated: 2019-07-11. Review status: criteria provided, single submitter. Criteria: Ambry Variant Classification Scheme 2023. Collection method: clinical testing. Allele origin: germline.

Color Diagnostics, LLC DBA Color Health
Classification: Likely benign for Cardiomyopathy. Last evaluated: 2018-11-08. Review status: criteria provided, single submitter. Criteria: ACMG Guidelines, 2015. Collection method: clinical testing. Allele origin: germline.

Women's Health and Genetics/Laboratory Corporation of America, LabCorp
Classification: Benign. Last evaluated: 2017-07-18. Review status: criteria provided, single submitter. Criteria: LabCorp Variant Classification Summary - May 2015. Collection method: clinical testing. Allele origin: germline.
Comment: Variant summary: The LMNA c.1051A>C (p.Arg351Arg) variant involves the alteration of a non-conserved nucleotide causing a synonymous change and 4/5 splice prediction tools predict no significant impact on normal splicing. ESE finder predicts that this variant may affect ESE sites. However, these predictions have yet to be confirmed by functional studies. This variant was found in 14/120768 control chromosomes, predominantly observed in the Latino subpopulation at a frequency of 0.001212 (14/11554). This frequency is about 12 times the estimated maximal expected allele frequency of a pathogenic LMNA variant (0.0001042), suggesting this is likely a benign polymorphism found primarily in the populations of Latino origin. In addition, multiple clinical diagnostic laboratories have cited the variant with conflicting classifications "likely benign" or "uncertain significance." The variant of interest has not, to our knowledge, been reported in affected individuals via publications. Due to the nature of the variant being synonymous and the high frequency in controls, the variant of interest has been classified as Benign.

Eurofins Ntd Llc (ga)
Classification: Uncertain significance. Last evaluated: 2015-09-17. Review status: criteria provided, single submitter. Criteria: EGL Classification Definitions 2015. Collection method: clinical testing. Allele origin: germline. Observed: 1 variant allele, 1 heterozygote.

NM_170707.4(LMNA):c.1051A>C (p.Arg351=)

Gene: LMNA (lamin A/C; plus strand). Cytogenetic location: 1q22.
Variant type: single nucleotide variant.
Coding change: c.1051A>C on transcript NM_170707.4 (MANE Select); coding-DNA position 1051, A replaced by C.
Protein change: p.Arg351=; no amino-acid change (arginine 351 retained).
Molecular consequence: synonymous variant.
Genome position (GRCh38, 1-based): chr1:156,136,015, A>C. VCF-style: chr1-156136015-A-C. GRCh37 (hg19) VCF-style: chr1-156105806-A-C.
Other names: c.715A>C, p.Arg239= (NM_001257374.3); c.808A>C, p.Arg270= (NM_001282624.2); c.1051A>C, p.Arg351= (NM_001282625.2, NM_001282626.2, NM_005572.4 and 1 more transcripts).
Identifiers: ClinVar variation 283170 (VCV000283170.25), dbSNP rs771623461, ClinGen allele CA048878.